The following is an entry in ClinVar:

ClinVar aggregate classification (germline): Uncertain significance (1 of 4 stars; one submission).

Allele frequency attached by ClinVar (database versions not stated): gnomAD exomes below 0.00001; TOPMed below 0.00001.
gnomAD v4.1: 1 of 1,558,118 alleles (0.000064%); highest among the groups gnomAD compares: Non-Finnish European, 0.000087%; no homozygotes.

Submission:

Labcorp Genetics (formerly Invitae), Labcorp
Classification: Uncertain significance. Last evaluated: 2023-12-06. Review status: criteria provided, single submitter. Criteria: Invitae Variant Classification Sherloc (09022015). Collection method: clinical testing. Allele origin: germline.
Comment: This sequence change falls in intron 1 of the LRP2 gene. It does not directly change the encoded amino acid sequence of the LRP2 protein. It affects a nucleotide within the consensus splice site. This variant is not present in population databases (gnomAD no frequency). This variant has not been reported in the literature in individuals affected with LRP2-related conditions. ClinVar contains an entry for this variant (Variation ID: 1955783). Variants that disrupt the consensus splice site are a relatively common cause of aberrant splicing (PMID: 17576681, 9536098). Algorithms developed to predict the effect of sequence changes on RNA splicing suggest that this variant is not likely to affect RNA splicing. In summary, the available evidence is currently insufficient to determine the role of this variant in disease. Therefore, it has been classified as a Variant of Uncertain Significance.

Literature cited by the submitters: PubMed 17576681; PubMed 9536098.

NM_004525.3(LRP2):c.79+4A>G

Gene: LRP2 (LDL receptor related protein 2; minus strand). Cytogenetic location: 2q31.1.
Variant type: single nucleotide variant.
Coding change: c.79+4A>G on transcript NM_004525.3 (MANE Select); 4 bases into the intron after coding-DNA position 79, A replaced by G.
Molecular consequence: intron variant.
Genome position (GRCh38, 1-based): chr2:169,362,317, T>C on the plus strand (A>G on the coding strand, the complement: LRP2 is on the minus strand). VCF-style: chr2-169362317-T-C. GRCh37 (hg19) VCF-style: chr2-170218827-T-C.
Identifiers: ClinVar variation 1955783 (VCV001955783.5), dbSNP rs1465219096, ClinGen allele CA760500452.